The following is an entry in ClinVar:

NM_001377299.1(NDUFS2):c.75A>G (p.Arg25=)

Genes: NDUFS2 (NADH:ubiquinone oxidoreductase core subunit S2; plus strand), LOC129931761 (ATAC-STARR-seq lymphoblastoid active region 1985; plus strand). Cytogenetic location: 1q23.3.
Variant type: single nucleotide variant.
Coding change: c.75A>G on transcript NM_001377299.1 (MANE Select); coding-DNA position 75, A replaced by G.
Protein change: p.Arg25=; no amino-acid change (arginine 25 retained).
Molecular consequence: synonymous variant. On other transcripts: non-coding transcript variant (1).
Genome position (GRCh38, 1-based): chr1:161,202,460, A>G. VCF-style: chr1-161202460-A-G. GRCh37 (hg19) VCF-style: chr1-161172250-A-G.
Other names: c.75A>G, p.Arg25= (NM_001166159.2, NM_001377298.1, NM_001377300.1 and 4 more transcripts); c.75A>G (NM_004550.4).
Identifiers: ClinVar variation 2888421 (VCV002888421.5), dbSNP rs375549956, ClinGen allele CA1208466.

ClinVar aggregate classification (germline): Likely benign. Review status: criteria provided, single submitter (1 of 4 stars). 2 submissions from 2 submitters: Likely benign (1). 1 of the submissions does not count toward it. Last evaluated 2026-01-17.

Conditions:
NDUFS2-related disorder. Also called: NDUFS2-related condition.

Allele frequency attached by ClinVar (database versions not stated): ExAC 0.00004; gnomAD exomes 0.00011; gnomAD 0.00005; ESP Exome Variant Server 0.00008; TOPMed 0.00006.
gnomAD v4.1: 170 of 1,611,702 alleles (0.011%); highest among the groups gnomAD compares: Non-Finnish European, 0.014%; no homozygotes.

Submissions (2):

Labcorp Genetics (formerly Invitae), Labcorp
Classification: Likely benign. Last evaluated: 2026-01-17. Review status: criteria provided, single submitter. Criteria: Invitae Variant Classification Sherloc (09022015). Collection method: clinical testing. Allele origin: germline.

PreventionGenetics, part of Exact Sciences
Classification: Likely benign for NDUFS2-related condition. Last evaluated: 2021-08-04. Review status: no assertion criteria provided. Collection method: clinical testing. Allele origin: germline. Not counted in ClinVar's aggregate classification.
Comment: This variant is classified as likely benign based on ACMG/AMP sequence variant interpretation guidelines (Richards et al. 2015 PMID: 25741868, with internal and published modifications).